The following is an entry in ClinVar:

NM_001184900.3(CARD8):c.772+1G>A

Gene: CARD8 (caspase recruitment domain family member 8; minus strand). Cytogenetic location: 19q13.33.
Variant type: single nucleotide variant.
Coding change: c.772+1G>A on transcript NM_001184900.3 (MANE Select); the canonical splice donor site of the intron after coding-DNA position 772, G replaced by A.
Molecular consequence: splice donor variant.
Genome position (GRCh38, 1-based): chr19:48,230,776, C>T on the plus strand (G>A on the coding strand, the complement: CARD8 is on the minus strand). VCF-style: chr19-48230776-C-T. GRCh37 (hg19) VCF-style: chr19-48734033-C-T.
Other names: c.457+1G>A (NM_001351787.2, NM_001351791.2, NM_001351792.2 and 2 more transcripts); c.622+1G>A (NM_001351788.2, NM_001351789.2, NM_014959.5 and 2 more transcripts); c.436+1G>A (NM_001351786.2); c.529+1G>A (NM_001351790.2); c.772+1G>A (NM_001184902.2, NM_001351782.2, NM_001184903.1).
Identifiers: ClinVar variation 4726299 (VCV004726299.1).

ClinVar aggregate classification (germline): Uncertain significance (1 of 4 stars; one submission).

Submission:

Labcorp Genetics (formerly Invitae), Labcorp
Classification: Uncertain significance. Last evaluated: 2025-08-29. Review status: criteria provided, single submitter. Criteria: Invitae Variant Classification Sherloc (09022015). Collection method: clinical testing. Allele origin: germline.
Comment: This sequence change affects a donor splice site in intron 7 of the CARD8 gene. It is expected to disrupt RNA splicing. Variants that disrupt the donor or acceptor splice site typically lead to a loss of protein function (PMID: 16199547), however the current clinical and genetic evidence is not sufficient to establish whether loss-of-function variants in CARD8 cause disease. This variant is not present in population databases (gnomAD no frequency). This variant has not been reported in the literature in individuals affected with CARD8-related conditions. Algorithms developed to predict the effect of sequence changes on RNA splicing suggest that this variant may disrupt the consensus splice site. In summary, the available evidence is currently insufficient to determine the role of this variant in disease. Therefore, it has been classified as a Variant of Uncertain Significance.

Literature cited by the submitters: PubMed 16199547.